The following is an entry in ClinVar:

ClinVar aggregate classification (germline): Uncertain significance. Review status: criteria provided, multiple submitters, no conflicts (2 of 4 stars). 4 submissions from 4 submitters: Uncertain significance (4). Last evaluated 2025-11-24.

Conditions:
Inborn genetic diseases. Identifiers: MedGen C0950123, MeSH D030342.
Nephronophthisis. Also called: Juvenile Nephronophthisis. Identifiers: Orphanet 655, MedGen C0687120, MONDO:0019005, HP:0000090.

Allele frequency attached by ClinVar (database versions not stated): TOPMed 0.00008; gnomAD 0.00009 and 0.00008; 1000 Genomes Project 30x 0.00016; ExAC 0.00015; gnomAD exomes 0.00015.
gnomAD v4.1: 130 of 1,613,694 alleles (0.0081%); highest among the groups gnomAD compares: Admixed American, 0.068%; no homozygotes.

Submissions (4):

Ambry Genetics
Classification: Uncertain significance for Inborn genetic diseases. Last evaluated: 2025-11-24. Review status: criteria provided, single submitter. Criteria: Ambry Variant Classification Scheme 2023. Collection method: clinical testing. Allele origin: germline.

Blueprint Genetics
Classification: Uncertain significance. Last evaluated: 2024-11-19. Review status: criteria provided, single submitter. Criteria: ACMG Guidelines, 2015. Collection method: clinical testing. Allele origin: germline.

Labcorp Genetics (formerly Invitae), Labcorp
Classification: Uncertain significance for Nephronophthisis. Last evaluated: 2022-09-27. Review status: criteria provided, single submitter. Criteria: Invitae Variant Classification Sherloc (09022015). Collection method: clinical testing. Allele origin: germline.
Comment: This sequence change replaces arginine, which is basic and polar, with glutamine, which is neutral and polar, at codon 848 of the NPHP4 protein (p.Arg848Gln). This variant is present in population databases (rs398124288, gnomAD 0.09%). This variant has not been reported in the literature in individuals affected with NPHP4-related conditions. ClinVar contains an entry for this variant (Variation ID: 95676). Advanced modeling of protein sequence and biophysical properties (such as structural, functional, and spatial information, amino acid conservation, physicochemical variation, residue mobility, and thermodynamic stability) has been performed at Invitae for this missense variant, however the output from this modeling did not meet the statistical confidence thresholds required to predict the impact of this variant on NPHP4 protein function. Algorithms developed to predict the effect of sequence changes on RNA splicing suggest that this variant may create or strengthen a splice site. In summary, the available evidence is currently insufficient to determine the role of this variant in disease. Therefore, it has been classified as a Variant of Uncertain Significance.

Eurofins Ntd Llc (ga)
Classification: Uncertain significance. Last evaluated: 2018-03-14. Review status: criteria provided, single submitter. Criteria: EGL ClinVar v180209 classification definitions. Collection method: clinical testing. Allele origin: germline. Observed: 3 variant alleles, 3 heterozygotes.

NM_015102.5(NPHP4):c.2543G>A (p.Arg848Gln)

Gene: NPHP4 (nephrocystin 4; minus strand). Cytogenetic location: 1p36.31.
Variant type: single nucleotide variant.
Coding change: c.2543G>A on transcript NM_015102.5 (MANE Select); coding-DNA position 2543, G replaced by A.
Protein change: p.Arg848Gln; replaces arginine 848 with glutamine.
Molecular consequence: missense variant. On other transcripts: non-coding transcript variant (1).
Genome position (GRCh38, 1-based): chr1:5,880,182, C>T on the plus strand (G>A on the coding strand, the complement: NPHP4 is on the minus strand). VCF-style: chr1-5880182-C-T. GRCh37 (hg19) VCF-style: chr1-5940242-C-T.
Other names: c.1004G>A, p.Arg335Gln (NM_001291593.2); c.1007G>A, p.Arg336Gln (NM_001291594.2); short protein forms R848Q, R335Q, R336Q.
Identifiers: ClinVar variation 95676 (VCV000095676.13), dbSNP rs398124288, ClinGen allele CA223175.